The following is an entry in ClinVar:

ClinVar aggregate classification (germline): Uncertain significance (1 of 4 stars; one submission).

gnomAD v4.1: 3 of 1,607,782 alleles (0.00019%); highest among the groups gnomAD compares: African/African-American, 0.0041%; no homozygotes.

Submission:

Labcorp Genetics (formerly Invitae), Labcorp
Classification: Uncertain significance. Last evaluated: 2024-06-18. Review status: criteria provided, single submitter. Criteria: Invitae Variant Classification Sherloc (09022015). Collection method: clinical testing. Allele origin: germline.
Comment: This sequence change replaces proline, which is neutral and non-polar, with serine, which is neutral and polar, at codon 637 of the MICAL1 protein (p.Pro637Ser). This variant is present in population databases (no rsID available, gnomAD 0.01%). This variant has not been reported in the literature in individuals affected with MICAL1-related conditions. Algorithms developed to predict the effect of missense changes on protein structure and function output the following: SIFT: "Not Available"; PolyPhen-2: "Benign"; Align-GVGD: "Not Available". The serine amino acid residue is found in multiple mammalian species, which suggests that this missense change does not adversely affect protein function. In summary, the available evidence is currently insufficient to determine the role of this variant in disease. Therefore, it has been classified as a Variant of Uncertain Significance.

NM_022765.4(MICAL1):c.1852C>T (p.Pro618Ser)

Gene: MICAL1 (microtubule associated monooxygenase, calponin and LIM domain containing 1; minus strand). Cytogenetic location: 6q21.
Variant type: single nucleotide variant.
Coding change: c.1852C>T on transcript NM_022765.4 (MANE Select); coding-DNA position 1852, C replaced by T.
Protein change: p.Pro618Ser; replaces proline 618 with serine.
Molecular consequence: missense variant.
Genome position (GRCh38, 1-based): chr6:109,448,206, G>A on the plus strand (C>T on the coding strand, the complement: MICAL1 is on the minus strand). VCF-style: chr6-109448206-G-A. GRCh37 (hg19) VCF-style: chr6-109769409-G-A.
Other names: c.1594C>T, p.Pro532Ser (NM_001159291.2); c.1909C>T, p.Pro637Ser (NM_001286613.2); short protein forms P532S, P618S, P637S.
Identifiers: ClinVar variation 3608235 (VCV003608235.2).